The following is an entry in ClinVar:

ClinVar aggregate classification (germline): Uncertain significance. Review status: criteria provided, multiple submitters, no conflicts (2 of 4 stars). 3 submissions from 3 submitters: Uncertain significance (3). Last evaluated 2024-01-11.

Conditions:
Congenital myasthenic syndrome 10. Also called: Myasthenia, limb-girdle, familial. Identifiers: Orphanet 590, MedGen C1850792, MONDO:0009690, OMIM 254300.
Fetal akinesia deformation sequence 1 (FADS1). Also called: Fetal akinesia sequence; Pena-Shokeir syndrome type I. Identifiers: Orphanet 994, MedGen C1276035, MONDO:0100101, OMIM 208150, HP:0001989.

Allele frequency attached by ClinVar (database versions not stated): ESP Exome Variant Server 0.00008; TOPMed 0.00015; 1000 Genomes Project 30x 0.00031; 1000 Genomes Project 0.00040.
gnomAD v4.1: 160 of 1,574,150 alleles (0.01%); highest among the groups gnomAD compares: Middle Eastern, 0.1%; 1 homozygote.

Submissions (3):

Labcorp Genetics (formerly Invitae), Labcorp
Classification: Uncertain significance for Congenital myasthenic syndrome 10; Fetal akinesia deformation sequence 1. Last evaluated: 2024-01-11. Review status: criteria provided, single submitter. Criteria: Invitae Variant Classification Sherloc (09022015). Collection method: clinical testing. Allele origin: germline.
Comment: This sequence change replaces proline, which is neutral and non-polar, with leucine, which is neutral and non-polar, at codon 254 of the DOK7 protein (p.Pro254Leu). This variant is present in population databases (rs200407250, gnomAD 0.04%). This variant has not been reported in the literature in individuals affected with DOK7-related conditions. ClinVar contains an entry for this variant (Variation ID: 252795). Advanced modeling of protein sequence and biophysical properties (such as structural, functional, and spatial information, amino acid conservation, physicochemical variation, residue mobility, and thermodynamic stability) performed at Invitae indicates that this missense variant is not expected to disrupt DOK7 protein function with a negative predictive value of 80%. In summary, the available evidence is currently insufficient to determine the role of this variant in disease. Therefore, it has been classified as a Variant of Uncertain Significance.

Revvity Omics, Revvity
Classification: Uncertain significance. Last evaluated: 2020-02-03. Review status: criteria provided, single submitter. Criteria: ACMG Guidelines, 2015. Collection method: clinical testing. Allele origin: germline.

Genomic Diagnostic Laboratory, Division of Genomic Diagnostics, Children's Hospital of Philadelphia
Classification: Uncertain significance. Last evaluated: 2015-09-18. Review status: criteria provided, single submitter. Criteria: DGD Variant Analysis Guidelines. Collection method: clinical testing. Allele origin: unknown.

NM_173660.5(DOK7):c.761C>T (p.Pro254Leu)

Genes: DOK7 (docking protein 7; plus strand), LOC129992118 (ATAC-STARR-seq lymphoblastoid silent region 15206; plus strand). Cytogenetic location: 4p16.3.
Variant type: single nucleotide variant.
Coding change: c.761C>T on transcript NM_173660.5 (MANE Select); coding-DNA position 761, C replaced by T.
Protein change: p.Pro254Leu; replaces proline 254 with leucine.
Molecular consequence: missense variant. On other transcripts: synonymous variant (1), 5 prime UTR variant (1).
Genome position (GRCh38, 1-based): chr4:3,489,785, C>T. VCF-style: chr4-3489785-C-T. GRCh37 (hg19) VCF-style: chr4-3491512-C-T.
Other names: c.750C>T, p.Ala250= (NM_001164673.2); c.-170C>T (NM_001256896.2); c.761C>T, p.Pro254Leu (NM_001301071.2); c.329C>T, p.Pro110Leu (NM_001363811.2); short protein forms P254L, P110L.
Identifiers: ClinVar variation 252795 (VCV000252795.9), dbSNP rs200407250, ClinGen allele CA2829173.